The following is an entry in ClinVar:

ClinVar aggregate classification (germline): Pathogenic/Likely pathogenic. Review status: criteria provided, multiple submitters, no conflicts (2 of 4 stars). 8 submissions from 8 submitters: Pathogenic (4); Likely pathogenic (4). Last evaluated 2025-08-29.

Conditions:
Polycystic kidney disease 4 (PKD4). Also called: POLYCYSTIC KIDNEY AND HEPATIC DISEASE 1; POLYCYSTIC KIDNEY DISEASE, INFANTILE, TYPE I; POLYCYSTIC KIDNEY DISEASE 4 WITH OR WITHOUT POLYCYSTIC LIVER DISEASE; PKD3; Autosomal Recessive Polycystic Kidney Disease – PKHD1. Identifiers: MedGen C4540575, MONDO:0033004, OMIM 263200.
PKHD1-related disorder. Also called: PKHD1-related condition.
Autosomal recessive polycystic kidney disease (ARPKD). Also called: AR polycystic kidney disease. Identifiers: Orphanet 731, Orphanet 8378, MedGen C0085548, MeSH D017044, MONDO:0009889.

Allele frequency attached by ClinVar (database versions not stated): gnomAD exomes below 0.00001.
gnomAD v4.1: 10 of 1,612,204 alleles (0.00062%); highest among the groups gnomAD compares: Non-Finnish European, 0.00085%; no homozygotes.

Submissions (8):

Natera, Inc.
Classification: Likely pathogenic for Autosomal recessive polycystic kidney disease. Last evaluated: 2025-08-29. Review status: criteria provided, single submitter. Criteria: Natera Variant Classification Schema (03/2026). Collection method: clinical testing. Allele origin: germline.
Comment: The c.85G>T variant in PKHD1 is a nonsense variant predicted to introduce a stop codon at amino acid 29. This variant is expected to result in nonsense mediated decay, truncation, or a dysfunctional protein product. This variant is rare in the general population with a frequency below the threshold expected for the associated phenotype(s). Given the available evidence, this variant is classified as Likely Pathogenic.

PreventionGenetics, part of Exact Sciences
Classification: Pathogenic for PKHD1-related condition. Last evaluated: 2025-04-04. Review status: criteria provided, single submitter. Criteria: ACMG Guidelines, 2015. Collection method: clinical testing. Allele origin: germline.
Comment: The PKHD1 c.85G>T variant is predicted to result in premature protein termination (p.Glu29*). To our knowledge, this variant has not been reported in the literature. This variant is reported in 0.00088% of alleles in individuals of European (Non-Finnish) descent in gnomAD. Nonsense variants in PKHD1 are expected to be pathogenic. This variant is interpreted as pathogenic.

Baylor Genetics
Classification: Pathogenic for Polycystic kidney disease 4. Last evaluated: 2023-10-02. Review status: criteria provided, single submitter. Criteria: ACMG Guidelines, 2015. Collection method: clinical testing. Allele origin: unknown.

Women's Health and Genetics/Laboratory Corporation of America, LabCorp
Classification: Likely pathogenic for Autosomal recessive polycystic kidney disease. Last evaluated: 2022-06-17. Review status: criteria provided, single submitter. Criteria: LabCorp Variant Classification Summary - May 2015. Collection method: clinical testing. Allele origin: germline.
Comment: Variant summary: PKHD1 c.85G>T (p.Glu29X) results in a premature termination codon, predicted to cause a truncation of the encoded protein or absence of the protein due to nonsense mediated decay, which are commonly known mechanisms for disease. Truncations downstream of this position have been classified as pathogenic by our laboratory. The variant allele was found at a frequency of 4e-06 in 251362 control chromosomes (gnomAD). To our knowledge, no occurrence of c.85G>T in individuals affected with Polycystic Kidney And Hepatic Disease and no experimental evidence demonstrating its impact on protein function have been reported. Two ClinVar submitters (evaluation after 2014) cite the variant as pathogenic and likely pathogenic. Based on the evidence outlined above, the variant was classified as likely pathogenic.

Revvity Omics, Revvity
Classification: Likely pathogenic for Polycystic kidney disease 4. Last evaluated: 2022-03-15. Review status: criteria provided, single submitter. Criteria: ACMG Guidelines, 2015. Collection method: clinical testing. Allele origin: germline.

Labcorp Genetics (formerly Invitae), Labcorp
Classification: Pathogenic for Autosomal recessive polycystic kidney disease. Last evaluated: 2021-06-02. Review status: criteria provided, single submitter. Criteria: Invitae Variant Classification Sherloc (09022015). Collection method: clinical testing. Allele origin: germline.
Comment: This variant is not present in population databases (ExAC no frequency). This sequence change creates a premature translational stop signal (p.Glu29*) in the PKHD1 gene. It is expected to result in an absent or disrupted protein product. This variant has not been reported in the literature in individuals with PKHD1-related conditions. ClinVar contains an entry for this variant (Variation ID: 96435). Loss-of-function variants in PKHD1 are known to be pathogenic (PMID: 19940839). For these reasons, this variant has been classified as Pathogenic.

Blueprint Genetics
Classification: Likely pathogenic for PKHD1-related disorders. Last evaluated: 2018-03-02. Review status: criteria provided, single submitter. Criteria: ACMG Guidelines, 2015. Collection method: clinical testing. Allele origin: germline. Affected: yes. Observed: 1 variant allele.

Eurofins Ntd Llc (ga)
Classification: Pathogenic. Last evaluated: 2012-09-12. Review status: criteria provided, single submitter. Criteria: EGL Classification Definitions. Collection method: clinical testing. Allele origin: germline. Observed: 2 variant alleles, 2 heterozygotes.

Literature cited by the submitters: PubMed 19940839 (cited by Labcorp Genetics (formerly Invitae), Labcorp).

NM_138694.4(PKHD1):c.85G>T (p.Glu29Ter)

Gene: PKHD1 (PKHD1 ciliary IPT domain containing fibrocystin/polyductin; minus strand). Cytogenetic location: 6p12.2.
Variant type: single nucleotide variant.
Coding change: c.85G>T on transcript NM_138694.4 (MANE Select); coding-DNA position 85, G replaced by T.
Protein change: p.Glu29Ter; replaces glutamic acid 29 with a stop codon.
Molecular consequence: nonsense.
Genome position (GRCh38, 1-based): chr6:52,083,223, C>A on the plus strand (G>T on the coding strand, the complement: PKHD1 is on the minus strand). VCF-style: chr6-52083223-C-A. GRCh37 (hg19) VCF-style: chr6-51948021-C-A.
Other names: c.85G>T, p.Glu29Ter (NM_170724.3); short protein forms E29*.
Identifiers: ClinVar variation 96435 (VCV000096435.24), dbSNP rs398124498, ClinGen allele CA224105.